The following is an entry in ClinVar:

NM_000257.4(MYH7):c.1061G>A (p.Gly354Asp)

Gene: MYH7 (myosin heavy chain 7; minus strand). Cytogenetic location: 14q11.2.
Variant type: single nucleotide variant.
Coding change: c.1061G>A on transcript NM_000257.4 (MANE Select); coding-DNA position 1061, G replaced by A.
Protein change: p.Gly354Asp; replaces glycine 354 with aspartic acid.
Molecular consequence: missense variant.
Genome position (GRCh38, 1-based): chr14:23,429,852, C>T on the plus strand (G>A on the coding strand, the complement: MYH7 is on the minus strand). VCF-style: chr14-23429852-C-T. GRCh37 (hg19) VCF-style: chr14-23899061-C-T.
Other names: short protein forms G354D.
Identifiers: ClinVar variation 1501056 (VCV001501056.10), dbSNP rs2138677416, ClinGen allele CA389051445.

ClinVar aggregate classification (germline): Conflicting classifications of pathogenicity. Review status: criteria provided, conflicting classifications (1 of 4 stars). 3 submissions from 3 submitters: Pathogenic (1); Uncertain significance (2). Last evaluated 2026-08-10.

Conditions:
Cardiovascular phenotype. Identifiers: MedGen CN230736.
Hypertrophic cardiomyopathy. Also called: HYPERTROPHIC MYOCARDIOPATHY. Identifiers: Orphanet 217569, MedGen C0007194, MeSH D002312, MONDO:0005045, HP:0001639.

Submissions (3):

Ambry Genetics
Classification: Uncertain significance for Cardiovascular phenotype. Last evaluated: 2026-08-10. Review status: criteria provided, single submitter. Criteria: Ambry Variant Classification Scheme 2023. Collection method: clinical testing. Allele origin: germline.
Comment: The p.G354D variant (also known as c.1061G>A), located in coding exon 10 of the MYH7 gene, results from a G to A substitution at nucleotide position 1061. The glycine at codon 354 is replaced by aspartic acid, an amino acid with similar properties. This amino acid position is highly conserved in available vertebrate species. In addition, this alteration is predicted to be deleterious by in silico analysis. Based on the available evidence, the clinical significance of this variant remains unclear.

Labcorp Genetics (formerly Invitae), Labcorp
Classification: Pathogenic for Hypertrophic cardiomyopathy. Last evaluated: 2025-05-13. Review status: criteria provided, single submitter. Criteria: Invitae Variant Classification Sherloc (09022015). Collection method: clinical testing. Allele origin: germline.
Comment: This sequence change replaces glycine, which is neutral and non-polar, with aspartic acid, which is acidic and polar, at codon 354 of the MYH7 protein (p.Gly354Asp). This variant is not present in population databases (gnomAD no frequency). This missense change has been observed in individual(s) with clinical features of MYH7-related conditions (internal data). In at least one individual the variant was observed to be de novo. ClinVar contains an entry for this variant (Variation ID: 1501056). Invitae Evidence Modeling of protein sequence and biophysical properties (such as structural, functional, and spatial information, amino acid conservation, physicochemical variation, residue mobility, and thermodynamic stability) indicates that this missense variant is expected to disrupt MYH7 protein function with a positive predictive value of 95%. This variant is found within a region of MYH7 between codons 181 and 937 that contains the majority of the myosin head domain. Missense variants in this region have been shown to be significantly overrepresented in individuals with hypertrophic cardiomyopathy (PMID: 27532257). For these reasons, this variant has been classified as Pathogenic.

Women's Health and Genetics/Laboratory Corporation of America, LabCorp
Classification: Uncertain significance. Last evaluated: 2023-12-11. Review status: criteria provided, single submitter. Criteria: LabCorp Variant Classification Summary - May 2015. Collection method: clinical testing. Allele origin: germline.
Comment: Variant summary: MYH7 c.1061G>A (p.Gly354Asp) results in a non-conservative amino acid change located in the Myosin head, motor domain of the encoded protein sequence. Five of five in-silico tools predict a damaging effect of the variant on protein function. The variant was absent in 251456 control chromosomes. The available data on variant occurrences in the general population are insufficient to allow any conclusion about variant significance. To our knowledge, no occurrence of c.1061G>A in individuals affected with Cardiomyopathy and no experimental evidence demonstrating its impact on protein function have been reported. Two submitters have cited clinical-significance assessments for this variant to ClinVar after 2014. One submitter classified the variant as likely pathogenic based on internal data, and one submitter classified the variant as uncertain significance. Based on the evidence outlined above, the variant was classified as uncertain significance.

Literature cited by the submitters: PubMed 27532257 (cited by Labcorp Genetics (formerly Invitae), Labcorp).